The following is an entry in ClinVar:

ClinVar aggregate classification (germline): Uncertain significance (1 of 4 stars; one submission).

Allele frequency attached by ClinVar (database versions not stated): gnomAD exomes below 0.00001; TOPMed below 0.00001; ExAC 0.00001; gnomAD 0.00001.
gnomAD v4.1: 2 of 1,612,262 alleles (0.00012%); highest among the groups gnomAD compares: Admixed American, 0.0033%; no homozygotes.

Submission:

Labcorp Genetics (formerly Invitae), Labcorp
Classification: Uncertain significance. Last evaluated: 2022-03-11. Review status: criteria provided, single submitter. Criteria: Invitae Variant Classification Sherloc (09022015). Collection method: clinical testing. Allele origin: germline.
Comment: This variant is present in population databases (rs762577612, gnomAD 0.003%). This sequence change replaces lysine, which is basic and polar, with asparagine, which is neutral and polar, at codon 1764 of the CACNA1B protein (p.Lys1764Asn). This variant has not been reported in the literature in individuals affected with CACNA1B-related conditions. Advanced modeling of protein sequence and biophysical properties (such as structural, functional, and spatial information, amino acid conservation, physicochemical variation, residue mobility, and thermodynamic stability) performed at Invitae indicates that this missense variant is not expected to disrupt CACNA1B protein function. In summary, the available evidence is currently insufficient to determine the role of this variant in disease. Therefore, it has been classified as a Variant of Uncertain Significance.

NM_000718.4(CACNA1B):c.5292G>C (p.Lys1764Asn)

Gene: CACNA1B (calcium voltage-gated channel subunit alpha1 B; plus strand). Cytogenetic location: 9q34.3.
Variant type: single nucleotide variant.
Coding change: c.5292G>C on transcript NM_000718.4 (MANE Select); coding-DNA position 5292, G replaced by C.
Protein change: p.Lys1764Asn; replaces lysine 1764 with asparagine.
Molecular consequence: missense variant.
Genome position (GRCh38, 1-based): chr9:138,102,780, G>C. VCF-style: chr9-138102780-G-C. GRCh37 (hg19) VCF-style: chr9-140997232-G-C.
Other names: c.5292G>C, p.Lys1764Asn (NM_001243812.2); short protein forms K1764N.
Identifiers: ClinVar variation 1972617 (VCV001972617.4), dbSNP rs762577612, ClinGen allele CA5377329.